The following is an entry in ClinVar:

ClinVar aggregate classification (germline): Likely benign (1 of 4 stars; one submission).

gnomAD v4.1: 951 of 1,560,684 alleles (0.061%); highest among the groups gnomAD compares: South Asian, 1%; 9 homozygotes.

Submission:

CeGaT Center for Human Genetics Tuebingen
Classification: Likely benign. Last evaluated: 2026-01-01. Review status: criteria provided, single submitter. Criteria: CeGaT Center For Human Genetics Tuebingen Variant Classification Criteria Version 2. Collection method: clinical testing. Allele origin: germline. Affected: yes. Observed: 1 variant allele.
Comment: RREB1: BP4, BP7, BS1

NM_001003699.4(RREB1):c.4311C>G (p.Gly1437=)

Gene: RREB1 (ras responsive element binding protein 1; plus strand). Cytogenetic location: 6p24.3.
Variant type: single nucleotide variant.
Coding change: c.4311C>G on transcript NM_001003699.4 (MANE Select); coding-DNA position 4311, C replaced by G.
Protein change: p.Gly1437=; no amino-acid change (glycine 1437 retained).
Molecular consequence: synonymous variant. On other transcripts: intron variant (1).
Genome position (GRCh38, 1-based): chr6:7,246,761, C>G. VCF-style: chr6-7246761-C-G. GRCh37 (hg19) VCF-style: chr6-7246994-C-G.
Other names: c.4146C>G, p.Gly1382= (NM_001003698.4, NM_001168344.2); c.3974-1750C>G (NM_001003700.2).
Identifiers: ClinVar variation 4820973 (VCV004820973.4).